The following is an entry in ClinVar:

ClinVar aggregate classification (germline): Uncertain significance. Review status: criteria provided, multiple submitters, no conflicts (2 of 4 stars). 2 submissions from 2 submitters: Uncertain significance (2). Last evaluated 2025-08-02.

Conditions:
Hereditary cancer-predisposing syndrome. Also called: Neoplastic Syndromes, Hereditary; Hereditary Cancer Syndrome; Tumor predisposition; Hereditary neoplastic syndrome. Identifiers: Orphanet 140162, MedGen C0027672, MeSH D009386, MONDO:0015356.
Tuberous sclerosis 2 (TSC2). Identifiers: Orphanet 805, MedGen C1860707, MONDO:0013199, OMIM 613254.

Allele frequency attached by ClinVar (database versions not stated): gnomAD 0.00001; TOPMed 0.00001.
gnomAD v4.1: 1 of 1,614,114 alleles (0.000062%); highest among the groups gnomAD compares: African/African-American, 0.0013%; no homozygotes.

Submissions (2):

Ambry Genetics
Classification: Uncertain significance for Hereditary cancer-predisposing syndrome. Last evaluated: 2025-08-02. Review status: criteria provided, single submitter. Criteria: Ambry Variant Classification Scheme 2023. Collection method: clinical testing. Allele origin: germline.
Comment: The p.L178P variant (also known as c.533T>C), located in coding exon 5 of the TSC2 gene, results from a T to C substitution at nucleotide position 533. The leucine at codon 178 is replaced by proline, an amino acid with similar properties. This amino acid position is conserved. In addition, this alteration is predicted to be deleterious by in silico analysis. Based on the available evidence, the clinical significance of this variant remains unclear.

Labcorp Genetics (formerly Invitae), Labcorp
Classification: Uncertain significance for Tuberous sclerosis 2. Last evaluated: 2024-04-03. Review status: criteria provided, single submitter. Criteria: Invitae Variant Classification Sherloc (09022015). Collection method: clinical testing. Allele origin: germline.
Comment: This sequence change replaces leucine, which is neutral and non-polar, with proline, which is neutral and non-polar, at codon 178 of the TSC2 protein (p.Leu178Pro). This variant is not present in population databases (gnomAD no frequency). This variant has not been reported in the literature in individuals affected with TSC2-related conditions. ClinVar contains an entry for this variant (Variation ID: 1516755). Advanced modeling of protein sequence and biophysical properties (such as structural, functional, and spatial information, amino acid conservation, physicochemical variation, residue mobility, and thermodynamic stability) performed at Invitae indicates that this missense variant is not expected to disrupt TSC2 protein function with a negative predictive value of 95%. In summary, the available evidence is currently insufficient to determine the role of this variant in disease. Therefore, it has been classified as a Variant of Uncertain Significance.

NM_000548.5(TSC2):c.533T>C (p.Leu178Pro)

Gene: TSC2 (TSC complex subunit 2; plus strand). Cytogenetic location: 16p13.3.
Variant type: single nucleotide variant.
Coding change: c.533T>C on transcript NM_000548.5 (MANE Select); coding-DNA position 533, T replaced by C.
Protein change: p.Leu178Pro; replaces leucine 178 with proline.
Molecular consequence: missense variant. On other transcripts: intron variant (1).
Genome position (GRCh38, 1-based): chr16:2,055,453, T>C. VCF-style: chr16-2055453-T-C. GRCh37 (hg19) VCF-style: chr16-2105454-T-C.
Other names: c.533T>C (NM_000548.3); c.533T>C, p.Leu178Pro (NM_001077183.3, NM_001114382.3, NM_001363528.2 and 3 more transcripts); c.422T>C, p.Leu141Pro (NM_001318827.2); c.386T>C, p.Leu129Pro (NM_001318829.2); c.566T>C, p.Leu189Pro (NM_001318832.2); c.-1-743T>C (NM_001318831.2); short protein forms L189P, L129P, L141P, L178P.
Identifiers: ClinVar variation 1516755 (VCV001516755.7), dbSNP rs1266917945, ClinGen allele CA394309399.
Genomic context (GRCh38, chr16:2,055,453, plus strand): 5'-CTCCCCCAGCTGACTTTGTCCTGCAGTGGATGGATGTTGGCTTGTCCTCGGAATTCCTTC[T>C]GGTGCTGGTGAACTTGGTCAAATTCAATAGCTGTTACCTCGACGAGTACATCGCAAGGAT-3'
Protein context (NP_000539.2, residues 168-188): MDVGLSSEFL[Leu178Pro]VLVNLVKFNS